The following is an entry in ClinVar:

ClinVar aggregate classification (germline): Conflicting classifications of pathogenicity. Review status: criteria provided, conflicting classifications (1 of 4 stars). 2 submissions from 2 submitters: Uncertain significance (1); Likely benign (1). Last evaluated 2024-04-16.

Conditions:
Hereditary cancer-predisposing syndrome. Also called: Neoplastic Syndromes, Hereditary; Hereditary Cancer Syndrome; Hereditary neoplastic syndrome; Tumor predisposition. Identifiers: Orphanet 140162, MedGen C0027672, MeSH D009386, MONDO:0015356.
Hereditary breast ovarian cancer syndrome. Also called: Hereditary breast and/or ovarian cancer syndrome; Breast and ovarian cancer; BRCA1- and BRCA2-Associated Hereditary Breast and Ovarian Cancer; Hereditary breast and ovarian cancer syndrome; Hereditary breast and ovarian cancer syndrome (HBOC); Hereditary breast and ovarian cancer. Identifiers: Orphanet 145, MedGen C0677776, MeSH D061325, MONDO:0003582. Disease mechanism: loss of function.

Allele frequency attached by ClinVar (database versions not stated): gnomAD exomes below 0.00001.
gnomAD v4.1: 1 of 1,614,046 alleles (0.000062%); highest among the groups gnomAD compares: South Asian, 0.0011%; no homozygotes.

Submissions (2):

Labcorp Genetics (formerly Invitae), Labcorp
Classification: Uncertain significance for Hereditary breast ovarian cancer syndrome. Last evaluated: 2024-04-16. Review status: criteria provided, single submitter. Criteria: Invitae Variant Classification Sherloc (09022015). Collection method: clinical testing. Allele origin: germline.
Comment: This sequence change replaces lysine, which is basic and polar, with glutamic acid, which is acidic and polar, at codon 1984 of the BRCA2 protein (p.Lys1984Glu). This variant is not present in population databases (gnomAD no frequency). This variant has not been reported in the literature in individuals affected with BRCA2-related conditions. ClinVar contains an entry for this variant (Variation ID: 1058653). Advanced modeling of protein sequence and biophysical properties (such as structural, functional, and spatial information, amino acid conservation, physicochemical variation, residue mobility, and thermodynamic stability) performed at Invitae indicates that this missense variant is not expected to disrupt BRCA2 protein function with a negative predictive value of 95%. In summary, the available evidence is currently insufficient to determine the role of this variant in disease. Therefore, it has been classified as a Variant of Uncertain Significance.

University of Washington Department of Laboratory Medicine, University of Washington
Classification: Likely benign for Hereditary cancer-predisposing syndrome. Last evaluated: 2023-03-23. Review status: criteria provided, single submitter. Criteria: Dines et al. (Genet Med. 2020). Collection method: curation. Allele origin: germline.
Comment: Missense variant in a coldspot region where missense variants are very unlikely to be pathogenic (PMID:31911673).

BRCA2 exon 11 coldspot. Reclassification based on statistical prior probability.

NM_000059.4(BRCA2):c.5950A>G (p.Lys1984Glu)

Gene: BRCA2 (BRCA2 DNA repair associated; plus strand). Cytogenetic location: 13q13.1.
Variant type: single nucleotide variant.
Coding change: c.5950A>G on transcript NM_000059.4 (MANE Select); coding-DNA position 5950, A replaced by G.
Protein change: p.Lys1984Glu; replaces lysine 1984 with glutamic acid.
Molecular consequence: missense variant.
Genome position (GRCh38, 1-based): chr13:32,340,305, A>G. VCF-style: chr13-32340305-A-G. GRCh37 (hg19) VCF-style: chr13-32914442-A-G.
Other names: short protein forms K1984E.
Identifiers: ClinVar variation 1058653 (VCV001058653.10), dbSNP rs2137522625, ClinGen allele CA387787587.